The following is an entry in ClinVar:

NM_000071.3(CBS):c.760T>C (p.Ser254Pro)

Gene: CBS (cystathionine beta-synthase; minus strand). Cytogenetic location: 21q22.3.
Variant type: single nucleotide variant.
Coding change: c.760T>C on transcript NM_000071.3 (MANE Select); coding-DNA position 760, T replaced by C.
Protein change: p.Ser254Pro; replaces serine 254 with proline.
Molecular consequence: missense variant.
Genome position (GRCh38, 1-based): chr21:43,063,968, A>G on the plus strand (T>C on the coding strand, the complement: CBS is on the minus strand). VCF-style: chr21-43063968-A-G. GRCh37 (hg19) VCF-style: chr21-44484078-A-G.
Other names: c.760T>C, p.Ser254Pro (NM_001178008.3, NM_001178009.3, NM_001320298.2); c.445T>C, p.Ser149Pro (NM_001321072.1); short protein forms S149P, S254P.
Identifiers: ClinVar variation 5001702 (VCV005001702.1).

ClinVar aggregate classification (germline): Uncertain significance (1 of 4 stars; one submission).

Conditions:
CBS-related disorder. Also called: CBS-related condition.

Submission:

PreventionGenetics, part of Exact Sciences
Classification: Uncertain significance for CBS-related condition. Last evaluated: 2025-01-23. Review status: criteria provided, single submitter. Criteria: ACMG Guidelines, 2015. Collection method: clinical testing. Allele origin: germline.
Comment: The CBS c.760T>C variant is predicted to result in the amino acid substitution p.Ser254Pro. To our knowledge, this variant has not been reported in the literature. This variant is reported in 0.00089% of alleles in individuals of European (Non-Finnish) descent in gnomAD. Although we suspect that this variant may be pathogenic, at this time, the clinical significance of this variant is uncertain due to the absence of conclusive functional and genetic evidence.